The following is an entry in ClinVar:

ClinVar aggregate classification (germline): Uncertain significance. Review status: criteria provided, multiple submitters, no conflicts (2 of 4 stars). 2 submissions from 2 submitters: Uncertain significance (2). Last evaluated 2023-02-04.

Conditions:
Hereditary cancer-predisposing syndrome. Also called: Hereditary Cancer Syndrome; Hereditary neoplastic syndrome; Neoplastic Syndromes, Hereditary; Tumor predisposition. Identifiers: Orphanet 140162, MedGen C0027672, MeSH D009386, MONDO:0015356.
Lynch syndrome 8 (LYNCH8). Also called: Colorectal cancer, hereditary nonpolyposis, type 8. Identifiers: Orphanet 144, MedGen C2750471, MONDO:0013196, OMIM 613244.

gnomAD v4.1: 2 of 1,589,300 alleles (0.00013%); highest among the groups gnomAD compares: Non-Finnish European, 0.00017%; no homozygotes.

Submissions (2):

Ambry Genetics
Classification: Uncertain significance for Hereditary cancer-predisposing syndrome. Last evaluated: 2023-02-04. Review status: criteria provided, single submitter. Criteria: Ambry Variant Classification Scheme 2023. Collection method: clinical testing. Allele origin: germline.
Comment: The p.A22T variant (also known as c.64G>A), located in coding exon 1 of the EPCAM gene, results from a G to A substitution at nucleotide position 64. The alanine at codon 22 is replaced by threonine, an amino acid with similar properties. This amino acid position is conserved. In addition, this alteration is predicted to be tolerated by in silico analysis. Since supporting evidence is limited at this time, the clinical significance of this alteration remains unclear.

St. Jude Molecular Pathology, St. Jude Children's Research Hospital
Classification: Uncertain significance for Lynch syndrome 8. Last evaluated: 2022-03-24. Review status: criteria provided, single submitter. Criteria: St. Jude Assertion Criteria 2020. Collection method: clinical testing. Allele origin: germline.
Comment: The EPCAM c.64G>A (p.Ala22Thr) missense variant is absent in gnomAD v2.1.1 (PM2_supporting ). Seven of seven in silico tools predict a benign effect of this variant on protein function (BP4), but to our knowledge these predictions have not been confirmed by functional assays. To our knowledge, this variant has not been reported in individuals with Lynch syndrome. In summary, this variant meets criteria to be classified as of uncertain significance based on the ACMG/AMP criteria: PM2_supporting, BP4.

NM_002354.3(EPCAM):c.64G>A (p.Ala22Thr)

Gene: EPCAM (epithelial cell adhesion molecule; plus strand). Cytogenetic location: 2p21.
Variant type: single nucleotide variant.
Coding change: c.64G>A on transcript NM_002354.3 (MANE Select); coding-DNA position 64, G replaced by A.
Protein change: p.Ala22Thr; replaces alanine 22 with threonine.
Molecular consequence: missense variant.
Genome position (GRCh38, 1-based): chr2:47,369,569, G>A. VCF-style: chr2-47369569-G-A. GRCh37 (hg19) VCF-style: chr2-47596708-G-A.
Other names: short protein forms A22T.
Identifiers: ClinVar variation 1691528 (VCV001691528.6), dbSNP rs2103738227, ClinGen allele CA346721453.